The following is an entry in ClinVar:

ClinVar aggregate classification (germline): Uncertain significance. Review status: criteria provided, multiple submitters, no conflicts (2 of 4 stars). 2 submissions from 2 submitters: Uncertain significance (2). Last evaluated 2025-11-03.

Conditions:
Deeah syndrome. Also called: DEVELOPMENTAL DELAY WITH ENDOCRINE, EXOCRINE, AUTONOMIC, AND HEMATOLOGIC ABNORMALITIES. Identifiers: Orphanet 686495, MedGen C5436579, MONDO:0033561, OMIM 619004.
Neurodevelopmental disorder with dysmorphic facies, impaired speech, and hypotonia. Identifiers: MedGen C5436585, MONDO:0033562, OMIM 619005.
Inborn genetic diseases. Identifiers: MedGen C0950123, MeSH D030342.

gnomAD v4.1: 3 of 1,613,808 alleles (0.00019%); highest among the groups gnomAD compares: African/African-American, 0.004%; no homozygotes.

Submissions (2):

Ambry Genetics
Classification: Uncertain significance for Inborn genetic diseases. Last evaluated: 2025-11-03. Review status: criteria provided, single submitter. Criteria: Ambry Variant Classification Scheme 2023. Collection method: clinical testing. Allele origin: germline.
Comment: The c.3386T>A (p.V1129E) alteration is located in exon 21 (coding exon 20) of the MADD gene. This alteration results from a T to A substitution at nucleotide position 3386, causing the valine (V) at amino acid position 1129 to be replaced by a glutamic acid (E). Based on data from gnomAD, the A allele has an overall frequency of 0.002% (5/282542) total alleles studied. The highest observed frequency was 0.02% (5/24912) of African alleles. Based on insufficient or conflicting evidence, the clinical significance of this alteration remains unclear.

Fulgent Genetics
Classification: Uncertain significance for Deeah syndrome; Neurodevelopmental disorder with dysmorphic facies, impaired speech, and hypotonia. Last evaluated: 2024-06-19. Review status: criteria provided, single submitter. Criteria: ACMG Guidelines, 2015. Collection method: clinical testing. Allele origin: germline.

NM_001376571.1(MADD):c.3386T>A (p.Val1129Glu)

Gene: MADD (MAP kinase activating death domain; plus strand). Cytogenetic location: 11p11.2.
Variant type: single nucleotide variant.
Coding change: c.3386T>A on transcript NM_001376571.1 (MANE Select); coding-DNA position 3386, T replaced by A.
Protein change: p.Val1129Glu; replaces valine 1129 with glutamic acid.
Molecular consequence: missense variant. On other transcripts: non-coding transcript variant (5), intron variant (55).
Genome position (GRCh38, 1-based): chr11:47,292,567, T>A. VCF-style: chr11-47292567-T-A. GRCh37 (hg19) VCF-style: chr11-47314118-T-A.
Other names: c.3386T>A, p.Val1129Glu (NM_001376572.1, NM_001376573.1, NM_001376599.1 and 4 more transcripts); c.3326T>A, p.Val1109Glu (NM_001376575.1, NM_001376576.1, NM_001376577.1 and 2 more transcripts); c.3299T>A, p.Val1100Glu (NM_001376578.1); c.3257T>A, p.Val1086Glu (NM_001376581.1, NM_001376582.1, NM_001376624.1 and 4 more transcripts); c.3224T>A, p.Val1075Glu (NM_001376583.1); c.3197T>A, p.Val1066Glu (NM_001376585.1, NM_001376595.1, NM_001376597.1 and 4 more transcripts); c.3404T>A, p.Val1135Glu (NM_001376596.1); c.3182T>A, p.Val1061Glu (NM_001376626.1, NM_001376648.1); and 19 more; short protein forms V1057E, V1075E, V1086E, V1109E, V1135E, V1018E, V1032E, V1100E.
Identifiers: ClinVar variation 3599768 (VCV003599768.2).